The following is an entry in ClinVar:

ClinVar aggregate classification (germline): Conflicting classifications of pathogenicity. Review status: criteria provided, conflicting classifications (1 of 4 stars). 2 submissions from 2 submitters: Uncertain significance (1); Likely benign (1). Last evaluated 2021-12-20.

Conditions:
Inborn genetic diseases. Identifiers: MedGen C0950123, MeSH D030342.

Allele frequency attached by ClinVar (database versions not stated): ExAC 0.00003; gnomAD exomes 0.00004.
gnomAD v4.1: 65 of 1,604,384 alleles (0.0041%); highest among the groups gnomAD compares: African/African-American, 0.0068%; no homozygotes.

Submissions (2):

Ambry Genetics
Classification: Likely benign for Inborn genetic diseases. Last evaluated: 2021-12-20. Review status: criteria provided, single submitter. Criteria: Ambry Variant Classification Scheme 2023. Collection method: clinical testing. Allele origin: germline.

Labcorp Genetics (formerly Invitae), Labcorp
Classification: Uncertain significance. Last evaluated: 2021-08-19. Review status: criteria provided, single submitter. Criteria: Invitae Variant Classification Sherloc (09022015). Collection method: clinical testing. Allele origin: germline.
Comment: In summary, the available evidence is currently insufficient to determine the role of this variant in disease. Therefore, it has been classified as a Variant of Uncertain Significance. Algorithms developed to predict the effect of missense changes on protein structure and function output the following: SIFT: "Not Available"; PolyPhen-2: "Benign"; Align-GVGD: "Not Available". The valine amino acid residue is found in multiple mammalian species, which suggests that this missense change does not adversely affect protein function. This variant has not been reported in the literature in individuals affected with TYROBP-related conditions. This variant is present in population databases (rs767032012, ExAC 0.006%). This sequence change replaces alanine with valine at codon 75 of the TYROBP protein (p.Ala75Val). The alanine residue is moderately conserved and there is a small physicochemical difference between alanine and valine.

NM_003332.4(TYROBP):c.224C>T (p.Ala75Val)

Gene: TYROBP (transmembrane immune signaling adaptor TYROBP; minus strand). Cytogenetic location: 19q13.12.
Variant type: single nucleotide variant.
Coding change: c.224C>T on transcript NM_003332.4 (MANE Select); coding-DNA position 224, C replaced by T.
Protein change: p.Ala75Val; replaces alanine 75 with valine.
Molecular consequence: missense variant. On other transcripts: non-coding transcript variant (1).
Genome position (GRCh38, 1-based): chr19:35,907,451, G>A on the plus strand (C>T on the coding strand, the complement: TYROBP is on the minus strand). VCF-style: chr19-35907451-G-A. GRCh37 (hg19) VCF-style: chr19-36398353-G-A.
Other names: c.191C>T, p.Ala64Val (NM_001173514.2, NM_001173515.2); c.224C>T, p.Ala75Val (NM_198125.3); c.224C>T (NM_003332.3); short protein forms A64V, A75V.
Identifiers: ClinVar variation 1480054 (VCV001480054.5), dbSNP rs767032012, ClinGen allele CA9393071.